The following is an entry in ClinVar:

ClinVar aggregate classification (germline): Conflicting classifications of pathogenicity. Review status: criteria provided, conflicting classifications (1 of 4 stars). 3 submissions from 3 submitters: Uncertain significance (2); Benign (1). Last evaluated 2025-07-08.

Conditions:
Juvenile polyposis syndrome (JPS). Identifiers: Orphanet 2929, MedGen C0345893, MONDO:0017380, OMIM 174900.

Submissions (3):

Quest Diagnostics Nichols Institute San Juan Capistrano
Classification: Uncertain significance. Last evaluated: 2025-07-08. Review status: criteria provided, single submitter. Criteria: Quest Diagnostics criteria. Collection method: clinical testing. Allele origin: unknown.
Comment: The SMAD4 c.1309-2dup variant has not been reported in individuals with SMAD4-related conditions in the published literature. It also has not been reported in large, multi-ethnic general populations (Genome Aggregation Database). Analysis of this variant using software algorithms for the prediction of the effect of nucleotide changes on splicing yielded predictions that this variant does not affect SMAD4 mRNA splicing. Based on the available information, we are unable to determine the clinical significance of this variant.

Center for Genomic Medicine, Rigshospitalet, Copenhagen University Hospital
Classification: Uncertain significance. Last evaluated: 2025-03-04. Review status: criteria provided, single submitter. Criteria: ACMG Guidelines, 2015. Collection method: clinical testing. Allele origin: germline.

Labcorp Genetics (formerly Invitae), Labcorp
Classification: Benign for Juvenile polyposis syndrome. Last evaluated: 2024-04-30. Review status: criteria provided, single submitter. Criteria: Invitae Variant Classification Sherloc (09022015). Collection method: clinical testing. Allele origin: germline.

NM_005359.6(SMAD4):c.1309-2dup

Gene: SMAD4 (SMAD family member 4; plus strand). Cytogenetic location: 18q21.2.
Variant type: Duplication.
Coding change: c.1309-2dup on transcript NM_005359.6 (MANE Select); the canonical splice acceptor site of the intron before coding-DNA position 1309, one base duplicated (A; older notation c.1309-2dupA).
Molecular consequence: splice acceptor variant.
Genome position (GRCh38, 1-based): chr18:51,076,636, A duplicated; the last of 4 consecutive A bases (chr18:51,076,633-51,076,636); duplicating any one gives the same sequence. VCF-style (leftmost placement, unchanged base first): chr18-51076632-T-TA. GRCh37 (hg19) VCF-style: chr18-48603002-T-TA.
Other names: c.1309-2dup (NM_005359.5, NM_001407042.1, NM_001407041.1); c.1309-2dupA (NM_005359.6).
Identifiers: ClinVar variation 3256221 (VCV003256221.5).
Genomic context (GRCh38, chr18:51,076,632, plus strand): 5'-CATTGGTTTTTAATGTATGGAATTTTTCTTTATGAACTCATAGTATGAAATGTTTTTTCT[T>TA]AAAAGGTCTTTGATTTGCGTCAGTGTCATCGACAGATGCAGCAGCAGGCGGCTACTGCAC-3'